The following is an entry in ClinVar:

NM_001253697.2(ERBIN):c.2417A>C (p.His806Pro)

Gene: ERBIN (erbb2 interacting protein; plus strand). Cytogenetic location: 5q12.3.
Variant type: single nucleotide variant.
Coding change: c.2417A>C on transcript NM_001253697.2 (MANE Select); coding-DNA position 2417, A replaced by C.
Protein change: p.His806Pro; replaces histidine 806 with proline.
Molecular consequence: missense variant.
Genome position (GRCh38, 1-based): chr5:66,053,735, A>C. VCF-style: chr5-66053735-A-C. GRCh37 (hg19) VCF-style: chr5-65349563-A-C.
Other names: c.2417A>C, p.His806Pro (NM_001006600.3, NM_001253698.2, NM_001253699.2 and 1 more transcripts); c.2405A>C, p.His802Pro (NM_001253701.2); short protein forms H802P, H806P.
Identifiers: ClinVar variation 1482148 (VCV001482148.6), dbSNP rs149409198, ClinGen allele CA359866819.

ClinVar aggregate classification (germline): Uncertain significance (1 of 4 stars; one submission).

Submission:

Labcorp Genetics (formerly Invitae), Labcorp
Classification: Uncertain significance. Last evaluated: 2021-08-26. Review status: criteria provided, single submitter. Criteria: Invitae Variant Classification Sherloc (09022015). Collection method: clinical testing. Allele origin: germline.
Comment: In summary, the available evidence is currently insufficient to determine the role of this variant in disease. Therefore, it has been classified as a Variant of Uncertain Significance. Algorithms developed to predict the effect of missense changes on protein structure and function output the following: SIFT: "Tolerated"; PolyPhen-2: "Benign"; Align-GVGD: "Class C0". The proline amino acid residue is found in multiple mammalian species, which suggests that this missense change does not adversely affect protein function. This variant has not been reported in the literature in individuals affected with ERBIN-related conditions. This variant is not present in population databases (ExAC no frequency). This sequence change replaces histidine with proline at codon 806 of the ERBIN protein (p.His806Pro). The histidine residue is moderately conserved and there is a moderate physicochemical difference between histidine and proline.